The following is an entry in ClinVar:

ClinVar aggregate classification (germline): Uncertain significance (1 of 4 stars; one submission).

gnomAD v4.1: 1 of 1,613,780 alleles (0.000062%); highest among the groups gnomAD compares: Non-Finnish European, 0.000085%; no homozygotes.

Submission:

GeneDx
Classification: Uncertain significance. Last evaluated: 2024-11-15. Review status: criteria provided, single submitter. Criteria: GeneDx Variant Classification Process June 2021. Collection method: clinical testing. Allele origin: germline. Affected: yes.
Comment: Not observed at significant frequency in large population cohorts (gnomAD); In silico analysis supports that this missense variant has a deleterious effect on protein structure/function; Has not been previously published as pathogenic or benign to our knowledge

NM_001369.3(DNAH5):c.5393C>T (p.Ser1798Phe)

Gene: DNAH5 (dynein axonemal heavy chain 5; minus strand). Cytogenetic location: 5p15.2.
Variant type: single nucleotide variant.
Coding change: c.5393C>T on transcript NM_001369.3 (MANE Select); coding-DNA position 5393, C replaced by T.
Protein change: p.Ser1798Phe; replaces serine 1798 with phenylalanine.
Molecular consequence: missense variant.
Genome position (GRCh38, 1-based): chr5:13,841,783, G>A on the plus strand (C>T on the coding strand, the complement: DNAH5 is on the minus strand). VCF-style: chr5-13841783-G-A. GRCh37 (hg19) VCF-style: chr5-13841892-G-A.
Other names: short protein forms S1798F.
Identifiers: ClinVar variation 3899605 (VCV003899605.1).
Genomic context (GRCh38, chr5:13,841,783, plus strand): 5'-AGTTGGAAACCTGTTTCTTGAATATTTGCGGCTGCCTGGCGAATCACAAGATGCAATGAG[G>A]ACTGAGATTCTTCCAAAAGAGAATTAAGCCAAACTTCCACATTGCCCTCTGCCATGACAG-3'
Protein context (NP_001360.1, residues 1788-1808): WLNSLLEESQ[Ser1798Phe]SLHLVIRQAA